The following is an entry in ClinVar:

ClinVar aggregate classification (germline): Conflicting classifications of pathogenicity. Review status: criteria provided, conflicting classifications (1 of 4 stars). 2 submissions from 2 submitters: Uncertain significance (1); Likely benign (1). Last evaluated 2026-05-01.

Submissions (2):

CeGaT Center for Human Genetics Tuebingen
Classification: Uncertain significance. Last evaluated: 2026-05-01. Review status: criteria provided, single submitter. Criteria: CeGaT Center For Human Genetics Tuebingen Variant Classification Criteria Version 2. Collection method: clinical testing. Allele origin: germline. Affected: yes. Observed: 1 variant allele.
Comment: PTPN23: PM2, BP4

Labcorp Genetics (formerly Invitae), Labcorp
Classification: Likely benign. Last evaluated: 2022-08-30. Review status: criteria provided, single submitter. Criteria: Invitae Variant Classification Sherloc (09022015). Collection method: clinical testing. Allele origin: germline.

NM_015466.4(PTPN23):c.4432-10_4432-7dup

Gene: PTPN23 (protein tyrosine phosphatase non-receptor type 23; plus strand). Cytogenetic location: 3p21.31.
Variant type: Duplication.
Coding change: c.4432-10_4432-7dup on transcript NM_015466.4 (MANE Select); 10 bases into the intron before coding-DNA position 4432 through 7 bases into the intron before coding-DNA position 4432, 4 bases duplicated (GTCT; older notation c.4432-10_4432-7dupGTCT).
Molecular consequence: intron variant.
Genome position (GRCh38, 1-based): chr3:47,412,696-47,412,699, GTCT duplicated; duplicating any 4 consecutive bases within chr3:47,412,693-47,412,699 gives the same sequence; the c. name uses the placement nearest the transcript's 3' end. VCF-style (leftmost placement, unchanged base first): chr3-47412692-C-CTCTG. GRCh37 (hg19) VCF-style: chr3-47454182-C-CTCTG.
Other names: c.4054-10_4054-7dup (NM_001304482.2).
Identifiers: ClinVar variation 2018430 (VCV002018430.6), dbSNP rs1559531155, ClinGen allele CA543043248.
Genomic context (GRCh38, chr3:47,412,692, plus strand): 5'-GGAAGGTTCCGTGGAAGCTGCTGGGAGAGCCACAGCCTTGGGACTCCCTCTCCTCACTCA[C>CTCTG]TCTGTCTTCTCAGAACCACCTTCCTCAGGACTCCCAGGACCTGGTCCTCGGTGGGGATGT-3'